The following is an entry in ClinVar:

NM_199420.4(POLQ):c.5425T>A (p.Ser1809Thr)

Gene: POLQ (DNA polymerase theta; minus strand). Cytogenetic location: 3q13.33.
Variant type: single nucleotide variant.
Coding change: c.5425T>A on transcript NM_199420.4 (MANE Select); coding-DNA position 5425, T replaced by A.
Protein change: p.Ser1809Thr; replaces serine 1809 with threonine.
Molecular consequence: missense variant.
Genome position (GRCh38, 1-based): chr3:121,487,506, A>T on the plus strand (T>A on the coding strand, the complement: POLQ is on the minus strand). VCF-style: chr3-121487506-A-T. GRCh37 (hg19) VCF-style: chr3-121206353-A-T.
Other names: short protein forms S1809T.
Identifiers: ClinVar variation 1747462 (VCV001747462.2), dbSNP rs2546784751, ClinGen allele CA354090217.
Genomic context (GRCh38, chr3:121,487,506, plus strand): 5'-CAATTATGGACAAACTTTCTGAACTGCTTGAGGCTGGAGTTAACTGTAATCCATCCTGTG[A>T]TAACTGAAGTGAAAAGCTTGTGTCACTAATAGGGCTGTTGTCTTTGAACCCATTTCTACT-3'
Protein context (NP_955452.3, residues 1799-1819): ISDTSFSLQL[Ser1809Thr]QDGLQLTPAS

ClinVar aggregate classification (germline): Uncertain significance (1 of 4 stars; one submission).

Allele frequency attached by ClinVar (database versions not stated): gnomAD exomes below 0.00001.

Submission:

Ambry Genetics
Classification: Uncertain significance. Last evaluated: 2024-03-21. Review status: criteria provided, single submitter. Criteria: Ambry Variant Classification Scheme 2023. Collection method: clinical testing. Allele origin: germline.
Comment: The p.S1809T variant (also known as c.5425T>A), located in coding exon 16 of the POLQ gene, results from a T to A substitution at nucleotide position 5425. The serine at codon 1809 is replaced by threonine, an amino acid with similar properties. This amino acid position is conserved. In addition, this alteration is predicted to be tolerated by in silico analysis. Since supporting evidence is limited at this time, the clinical significance of this alteration remains unclear.